The following continues an entry in ClinVar:

NM_007194.4(CHEK2):c.231CCAAGAACCTGAGGA[1] (p.77DQEPE[1])

Gene: CHEK2. ClinVar aggregate classification (germline): Conflicting classifications of pathogenicity. Uncertain significance (24); Likely benign (3).

Submissions 26 to 30 of 30:

Genetic Services Laboratory, University of Chicago
Classification: Uncertain significance. Last evaluated: 2021-06-22. Review status: criteria provided, single submitter. Criteria: ACMG Guidelines, 2015. Collection method: clinical testing. Allele origin: germline. Affected: no.
Comment: DNA sequence analysis of the CHEK2 gene demonstrated a 15 base pair deletion in exon 2, c.246_260del. This in-frame deletion is predicted to result in the deletion of a 5 amino acid residues, p.Asp82_Glu86del. This in-frame deletion has been described in gnomAD with a frequency of approximately 0.03% in the South Asian sub-population (dbSNP rs587780181). This deletion is not located in a known functional domain. This sequence change was observed in two individuals with prostate cancer, in one individual with a history of Lynch syndrome-associated cancer, and in one individual with a pancreatic neuroendocrine tumor (PMID: 28199314, 12533788, 17721994, 11949635, 25980754). Functional studies showed retention of 40-50% of wild-type kinase activity, suggesting partial loss-of-function (PMID:17721994). Another study showed significant reduction of kinase activity, however, when normalized to protein expression level, kinase activity was similar to wild-type (PMID:28199314). Due to the lack of sufficient evidences, the clinical and functional significance of this sequence change is not known at present.

GeneKor MSA
Classification: Uncertain significance for Hereditary cancer-predisposing syndrome. Last evaluated: 2018-08-01. Review status: criteria provided, single submitter. Criteria: ACMG Guidelines, 2015. Collection method: clinical testing. Allele origin: germline. Affected: yes.

King Laboratory, University of Washington
Classification: Benign. Last evaluated: 2019-09-01. Review status: no assertion criteria provided. Collection method: research. Allele origin: germline. Affected: yes. Not counted in ClinVar's aggregate classification.
Comment: Transcript analysis by cBROCA

Counsyl
Classification: Uncertain significance for Familial cancer of breast. Last evaluated: 2016-07-26. Review status: no assertion criteria provided. Collection method: clinical testing. Allele origin: unknown. Not counted in ClinVar's aggregate classification.

Department of Pathology and Laboratory Medicine, Sinai Health System
Classification: Uncertain significance for Malignant tumor of breast. Review status: no assertion criteria provided. Collection method: clinical testing. Allele origin: unknown. Affected: yes. Study: The Canadian Open Genetics Repository (COGR). Not counted in ClinVar's aggregate classification.
Comment: The CHEK2 p.Asp82_Glu86del variant was identified in 4 of 3682 proband chromosomes (frequency: 0.001) from individuals or families with Lynch syndrome-associated cancer and/or polyps, early onset prostate cancer, sporadic prostate cancer, and pancreatic neuroendocrine tumor and was not identified in 846 control chromosomes from healthy individuals (Yurgelun 2015, Scarpa 2017, Bell 2007, Dong 2003). The variant was also identified in dbSNP (ID: rs587780181) as â€šÃ„ÃºWith Uncertain significance alleleâ€šÃ„Ã¹, ClinVar (7x as uncertain significance by GeneDx, Ambry, Invitae, Counsyl, Quest and Integrated Genetics). The variant was identified in control databases in 40 of 277142 chromosomes at a frequency of 0.00014 increasing the likelihood this could be a low frequency variant (Genome Aggregation Database Feb 27, 2017). The variant was observed in the following populations: South Asian in 9 of 30780 chromosomes (freq: 0.0003), European (Finnish) in 7 of 25788 chromosomes (freq: 0.0003), East Asian in 4 of 18862 chromosomes (freq: 0.0002), Ashkenazi Jewish* in 2 of 10152 chromosomes (freq: 0.0002), Other in 1 of 6460 chromosomes (freq: 0.00015), Latino in 4 of 34420 chromosomes (freq: 0.0001), European (Non-Finnish) in 12 of 126666 chromosomes (freq: 0.000095), and African in 1 of 24014 chromosomes (freq: 0.00004). This variant is an in-frame deletion resulting in the removal of 5 amino acid residues beginning at the aspartic acid (asp) residue at codon 82 to (glu) residue at codon 86; the impact of this alteration on CHEK2 protein function is not known. In vitro analysis of CHEK2 c.246_260del15 showed retention of 40-50% of wild-type kinase activity, suggesting partial loss-of-function (Bell 2007). Another study showed significant reduction of kinase activity, however, when normalized to protein expression level, kinase activity was similar to wild-type (Scarpa 2017). In summary, based on the above information the clinical significance of this variant cannot be determined with certainty at this time. This variant is classified as a variant of uncertain significance.

Literature cited by the submitters: PubMed 25980754 (cited by 7 submitters); PubMed 12533788 (cited by 7 submitters); PubMed 17721994 (cited by 8 submitters); PubMed 11949635 (cited by 5 submitters); PubMed 30287823 (cited by Women's Health and Genetics/Laboratory Corporation of America, LabCorp and Quest Diagnostics Nichols Institute San Juan Capistrano); PubMed 31159747 (cited by 4 submitters); PubMed 28199314 (cited by 8 submitters); PubMed 32906215 (cited by 3 submitters); PubMed 38003901 (cited by 4 submitters); PubMed 37316882 (cited by 4 submitters); PubMed 40893051 (cited by Women's Health and Genetics/Laboratory Corporation of America, LabCorp); PubMed 38350919 (cited by Quest Diagnostics Nichols Institute San Juan Capistrano); PubMed 36243179 (cited by Quest Diagnostics Nichols Institute San Juan Capistrano); PubMed 34326862 (cited by Quest Diagnostics Nichols Institute San Juan Capistrano); PubMed 31843900 (cited by Quest Diagnostics Nichols Institute San Juan Capistrano and King Laboratory, University of Washington); PubMed 34630562 (cited by 3 submitters); PubMed 32190957 (cited by Quest Diagnostics Nichols Institute San Juan Capistrano and Color Diagnostics, LLC DBA Color Health); PubMed 29522266 (cited by Quest Diagnostics Nichols Institute San Juan Capistrano and Color Diagnostics, LLC DBA Color Health); PubMed 31054147 (cited by Color Diagnostics, LLC DBA Color Health); PubMed 25085752 (cited by Myriad Genetics, Inc.).